The following is an entry in ClinVar:

NM_198253.3(TERT):c.1142G>A (p.Arg381His)

Gene: TERT (telomerase reverse transcriptase; minus strand). Cytogenetic location: 5p15.33.
Variant type: single nucleotide variant.
Coding change: c.1142G>A on transcript NM_198253.3 (MANE Select); coding-DNA position 1142, G replaced by A.
Protein change: p.Arg381His; replaces arginine 381 with histidine.
Molecular consequence: missense variant. On other transcripts: non-coding transcript variant (2).
Genome position (GRCh38, 1-based): chr5:1,293,744, C>T on the plus strand (G>A on the coding strand, the complement: TERT is on the minus strand). VCF-style: chr5-1293744-C-T. GRCh37 (hg19) VCF-style: chr5-1293859-C-T.
Other names: c.1142G>A, p.Arg381His (NM_001193376.3); short protein forms R381H.
Identifiers: ClinVar variation 1447353 (VCV001447353.10), dbSNP rs777343359, ClinGen allele CA359055294.
Genomic context (GRCh38, chr5:1,293,744, plus strand): 5'-GCGTGGTTCCCAAGCAGCTCCAGAAACAGGGGCCGCATTTGCCAGTAGCGCTGGGGCAGG[C>T]GGGGCAACCTGCGGGGAGTCCCTGGCATCCAGGGCCTGGAACCCAGAAAGATGGTCTCCA-3'
Protein context (NP_937983.2, residues 371-391): WMPGTPRRLP[Arg381His]LPQRYWQMRP

ClinVar aggregate classification (germline): Uncertain significance. Review status: criteria provided, multiple submitters, no conflicts (2 of 4 stars). 3 submissions from 3 submitters: Uncertain significance (3). Last evaluated 2025-06-17.

Conditions:
Dyskeratosis congenita, autosomal dominant 2. Identifiers: MedGen C3151443, MONDO:0013521, OMIM 613989.
Idiopathic Pulmonary Fibrosis. Also called: Idiopathic fibrosing alveolitis, chronic form; idiopathic fibrosing alveolitis. Identifiers: Orphanet 2032, MedGen C1800706, MeSH D054990, MONDO:0800504.
Dyskeratosis congenita. Identifiers: Orphanet 1775, MedGen C0265965, MONDO:0015780.

Submissions (3):

Ambry Genetics
Classification: Uncertain significance for Dyskeratosis congenita. Last evaluated: 2025-06-17. Review status: criteria provided, single submitter. Criteria: Ambry Variant Classification Scheme 2023. Collection method: clinical testing. Allele origin: germline.
Comment: The p.R381H variant (also known as c.1142G>A), located in coding exon 2 of the TERT gene, results from a G to A substitution at nucleotide position 1142. The arginine at codon 381 is replaced by histidine, an amino acid with highly similar properties. This amino acid position is well conserved in available vertebrate species. In addition, the in silico prediction for this alteration is inconclusive. Based on the available evidence, the clinical significance of this variant remains unclear.

Baylor Genetics
Classification: Uncertain significance for Dyskeratosis congenita, autosomal dominant 2. Last evaluated: 2023-07-26. Review status: criteria provided, single submitter. Criteria: ACMG Guidelines, 2015. Collection method: clinical testing. Allele origin: unknown.

Labcorp Genetics (formerly Invitae), Labcorp
Classification: Uncertain significance for Dyskeratosis congenita, autosomal dominant 2; Idiopathic Pulmonary Fibrosis. Last evaluated: 2021-09-09. Review status: criteria provided, single submitter. Criteria: Invitae Variant Classification Sherloc (09022015). Collection method: clinical testing. Allele origin: germline.
Comment: In summary, the available evidence is currently insufficient to determine the role of this variant in disease. Therefore, it has been classified as a Variant of Uncertain Significance. This variant disrupts the p.Arg381 amino acid residue in TERT. Other variant(s) that disrupt this residue have been observed in individuals with TERT-related conditions (PMID: 21931702, 26024875), which suggests that this may be a clinically significant amino acid residue. Advanced modeling of protein sequence and biophysical properties (such as structural, functional, and spatial information, amino acid conservation, physicochemical variation, residue mobility, and thermodynamic stability) performed at Invitae indicates that this missense variant is expected to disrupt TERT protein function. This variant has not been reported in the literature in individuals affected with TERT-related conditions. This variant is not present in population databases (ExAC no frequency). This sequence change replaces arginine with histidine at codon 381 of the TERT protein (p.Arg381His). The arginine residue is moderately conserved and there is a small physicochemical difference between arginine and histidine.

Literature cited by the submitters: PubMed 21931702 (cited by Labcorp Genetics (formerly Invitae), Labcorp); PubMed 26024875 (cited by Labcorp Genetics (formerly Invitae), Labcorp).